The following is an entry in ClinVar:

NM_001447.3(FAT2):c.4553C>T (p.Pro1518Leu)

Genes: FAT2 (FAT atypical cadherin 2; minus strand), SLC36A1 (solute carrier family 36 member 1; plus strand). Cytogenetic location: 5q33.1.
Variant type: single nucleotide variant.
Coding change: c.4553C>T on transcript NM_001447.3 (MANE Select); coding-DNA position 4553, C replaced by T.
Protein change: p.Pro1518Leu; replaces proline 1518 with leucine.
Molecular consequence: missense variant.
Genome position (GRCh38, 1-based): chr5:151,550,615, G>A on the plus strand (C>T on the coding strand, the complement: FAT2 is on the minus strand). VCF-style: chr5-151550615-G-A. GRCh37 (hg19) VCF-style: chr5-150930176-G-A.
Other names: short protein forms P1518L.
Identifiers: ClinVar variation 3606339 (VCV003606339.2).

ClinVar aggregate classification (germline): Uncertain significance (1 of 4 stars; one submission).

gnomAD v4.1: 1 of 1,614,012 alleles (0.000062%); highest among the groups gnomAD compares: Admixed American, 0.0017%; no homozygotes.

Submission:

Labcorp Genetics (formerly Invitae), Labcorp
Classification: Uncertain significance. Last evaluated: 2024-02-20. Review status: criteria provided, single submitter. Criteria: Invitae Variant Classification Sherloc (09022015). Collection method: clinical testing. Allele origin: germline.
Comment: This sequence change replaces proline, which is neutral and non-polar, with leucine, which is neutral and non-polar, at codon 1518 of the FAT2 protein (p.Pro1518Leu). This variant is not present in population databases (gnomAD no frequency). This variant has not been reported in the literature in individuals affected with FAT2-related conditions. Algorithms developed to predict the effect of missense changes on protein structure and function output the following: SIFT: "Not Available"; PolyPhen-2: "Benign"; Align-GVGD: "Not Available". The leucine amino acid residue is found in multiple mammalian species, which suggests that this missense change does not adversely affect protein function. In summary, the available evidence is currently insufficient to determine the role of this variant in disease. Therefore, it has been classified as a Variant of Uncertain Significance.